The following is an entry in ClinVar:

ClinVar aggregate classification (germline): Pathogenic/Likely pathogenic. Review status: criteria provided, multiple submitters, no conflicts (2 of 4 stars). 3 submissions from 3 submitters: Pathogenic (1); Likely pathogenic (1). 1 of the submissions does not count toward it. Last evaluated 2024-10-01.

Conditions:
Charcot-Marie-Tooth Neuropathy X. Identifiers: MedGen CN118851.
Charcot-Marie-Tooth disease X-linked dominant 1. Also called: CHARCOT-MARIE-TOOTH NEUROPATHY, X-LINKED, 1; CHARCOT-MARIE-TOOTH PERONEAL MUSCULAR ATROPHY, X-LINKED; HEREDITARY MOTOR AND SENSORY NEUROPATHY, X-LINKED; HMSN, X-LINKED; GJB1 Disorders: Charcot-Marie-Tooth Neuropathy (CMT1X) and Central Nervous System Phenotypes; Charcot-Marie-Tooth Neuropathy X Type 1. Identifiers: Orphanet 101075, MedGen C0393808, MONDO:0010549, OMIM 302800.

Submissions (3):

Labcorp Genetics (formerly Invitae), Labcorp
Classification: Pathogenic for Charcot-Marie-Tooth Neuropathy X. Last evaluated: 2024-10-01. Review status: criteria provided, single submitter. Criteria: Invitae Variant Classification Sherloc (09022015). Collection method: clinical testing. Allele origin: germline.
Comment: This sequence change replaces methionine, which is neutral and non-polar, with valine, which is neutral and non-polar, at codon 194 of the GJB1 protein (p.Met194Val). This variant is not present in population databases (gnomAD no frequency). This missense change has been observed in individuals with Charcot-Marie-Tooth disease (PMID: 9272161, 25802885). It has also been observed to segregate with disease in related individuals. ClinVar contains an entry for this variant (Variation ID: 155725). Invitae Evidence Modeling of protein sequence and biophysical properties (such as structural, functional, and spatial information, amino acid conservation, physicochemical variation, residue mobility, and thermodynamic stability) indicates that this missense variant is expected to disrupt GJB1 protein function with a positive predictive value of 80%. This variant disrupts the p.Met194 amino acid residue in GJB1. Other variant(s) that disrupt this residue have been observed in individuals with GJB1-related conditions (PMID: 27544631), which suggests that this may be a clinically significant amino acid residue. For these reasons, this variant has been classified as Pathogenic.

3billion
Classification: Likely pathogenic for Charcot-Marie-Tooth disease X-linked dominant 1. Last evaluated: 2023-11-28. Review status: criteria provided, single submitter. Criteria: ACMG Guidelines, 2015. Collection method: clinical testing. Allele origin: germline. Affected: yes.
Comment: The variant is not observed in the gnomAD v2.1.1 dataset. Predicted Consequence/Location: Missense variant In silico tool predictions suggest damaging effect of the variant on gene or gene product [REVEL: 0.93 (>=0.6, sensitivity 0.68 and specificity 0.92); 3Cnet: 0.94 (>=0.6, sensitivity 0.72 and precision 0.9)]. Same nucleotide change resulting in same amino acid change has been previously reported to be associated with GJB1-related disorder (ClinVar ID: VCV000155725 /PMID: 9272161). A different missense change at the same codon (p.Met194Ile) has been reported to be associated with GJB1-related disorder (PMID: 27544631). Therefore, this variant is classified as Likely pathogenic according to the recommendation of ACMG/AMP guideline.

Northcott Neuroscience Laboratory, ANZAC Research Institute
Classification: Pathogenic for X-linked hereditary motor and sensory neuropathy. Review status: no assertion criteria provided. Collection method: not provided. Allele origin: germline. Not counted in ClinVar's aggregate classification.
Comment: Family E
ClinVar note: Converted during submission from pathogenic to Pathogenic.

Literature cited by the submitters: PubMed 9272161 (cited by Labcorp Genetics (formerly Invitae), Labcorp and 3billion); PubMed 25802885 (cited by Labcorp Genetics (formerly Invitae), Labcorp); PubMed 27544631 (cited by Labcorp Genetics (formerly Invitae), Labcorp and 3billion).

NM_000166.6(GJB1):c.580A>G (p.Met194Val)

Gene: GJB1 (gap junction protein beta 1; plus strand). Cytogenetic location: Xq13.1.
Variant type: single nucleotide variant.
Coding change: c.580A>G on transcript NM_000166.6 (MANE Select); coding-DNA position 580, A replaced by G.
Protein change: p.Met194Val; replaces methionine 194 with valine.
Molecular consequence: missense variant.
Genome position (GRCh38, 1-based): chrX:71,224,287, A>G. VCF-style: chrX-71224287-A-G. GRCh37 (hg19) VCF-style: chrX-70444137-A-G.
Other names: c.580A>G, p.Met194Val (NM_001097642.3); short protein forms M194V.
Identifiers: ClinVar variation 155725 (VCV000155725.7), dbSNP rs587777878, ClinGen allele CA270643.